The following is an entry in ClinVar:

NM_005477.3(HCN4):c.1397C>T (p.Ser466Phe)

Gene: HCN4 (hyperpolarization activated cyclic nucleotide gated potassium channel 4; minus strand). Cytogenetic location: 15q24.1.
Variant type: single nucleotide variant.
Coding change: c.1397C>T on transcript NM_005477.3 (MANE Select); coding-DNA position 1397, C replaced by T.
Protein change: p.Ser466Phe; replaces serine 466 with phenylalanine.
Molecular consequence: missense variant.
Genome position (GRCh38, 1-based): chr15:73,329,766, G>A on the plus strand (C>T on the coding strand, the complement: HCN4 is on the minus strand). VCF-style: chr15-73329766-G-A. GRCh37 (hg19) VCF-style: chr15-73622107-G-A.
Other names: short protein forms S466F.
Identifiers: ClinVar variation 4842475 (VCV004842475.1).

ClinVar aggregate classification (germline): Uncertain significance (1 of 4 stars; one submission).

Conditions:
Cardiovascular phenotype. Identifiers: MedGen CN230736.

Submission:

Ambry Genetics
Classification: Uncertain significance for Cardiovascular phenotype. Last evaluated: 2026-01-10. Review status: criteria provided, single submitter. Criteria: Ambry Variant Classification Scheme 2023. Collection method: clinical testing. Allele origin: germline.
Comment: The p.S466F variant (also known as c.1397C>T), located in coding exon 4 of the HCN4 gene, results from a C to T substitution at nucleotide position 1397. The serine at codon 466 is replaced by phenylalanine, an amino acid with highly dissimilar properties. This amino acid position is conserved. In addition, this alteration is predicted to be deleterious by in silico analysis. Based on the available evidence, the clinical significance of this variant remains unclear.